The following is an entry in ClinVar:

ClinVar aggregate classification (germline): Likely pathogenic (1 of 4 stars; one submission).

Conditions:
Retinitis pigmentosa 2 (RP2). Also called: Retinitis pigmentosa 2, X linked. Identifiers: Orphanet 791, MedGen C2681923, MONDO:0010723, OMIM 312600.

Submission:

3billion
Classification: Likely pathogenic for Retinitis pigmentosa 2. Last evaluated: 2024-09-06. Review status: criteria provided, single submitter. Criteria: ACMG Guidelines, 2015. Collection method: clinical testing. Allele origin: germline. Affected: yes.
Comment: The variant is not observed in the gnomAD v4.0.0 dataset. Predicted Consequence/Location: Frameshift: predicted to result in a loss or disruption of normal protein function through nonsense-mediated decay (NMD) or protein truncation. Multiple pathogenic variants are reported downstream of the variant. Therefore, this variant is classified as Likely pathogenic according to the recommendation of ACMG/AMP guideline.

NM_006915.3(RP2):c.607dup (p.Thr203fs)

Gene: RP2 (RP2 activator of ARL3 GTPase; plus strand). Cytogenetic location: Xp11.3.
Variant type: Duplication.
Coding change: c.607dup on transcript NM_006915.3 (MANE Select); coding-DNA position 607, one base duplicated (A; older notation c.607dupA).
Protein change: p.Thr203fs; shifts the reading frame from threonine 203.
Molecular consequence: frameshift variant.
Genome position (GRCh38, 1-based): chrX:46,853,980, A duplicated. VCF-style (leftmost placement, unchanged base first): chrX-46853979-T-TA. GRCh37 (hg19) VCF-style: chrX-46713414-T-TA.
Other names: short protein forms T203fs.
Identifiers: ClinVar variation 4291978 (VCV004291978.1).